The following is an entry in ClinVar:

ClinVar aggregate classification (germline): Uncertain significance. Review status: criteria provided, multiple submitters, no conflicts (2 of 4 stars). 3 submissions from 3 submitters: Uncertain significance (3). Last evaluated 2026-01-01.

Conditions:
Hereditary neuropathy or pain disorder.

Allele frequency attached by ClinVar (database versions not stated): gnomAD exomes below 0.00001.
gnomAD v4.1: 5 of 1,531,914 alleles (0.00033%); highest among the groups gnomAD compares: Non-Finnish European, 0.00044%; no homozygotes.

Submissions (3):

CeGaT Center for Human Genetics Tuebingen
Classification: Uncertain significance. Last evaluated: 2026-01-01. Review status: criteria provided, single submitter. Criteria: CeGaT Center For Human Genetics Tuebingen Variant Classification Criteria Version 2. Collection method: clinical testing. Allele origin: germline. Affected: yes. Observed: 1 variant allele.
Comment: NEFH: PM2, PP3

Cambridge Genomics Laboratory, East Genomic Laboratory Hub, NHS Genomic Medicine Service
Classification: Uncertain significance for Hereditary neuropathy or pain disorder. Last evaluated: 2023-11-22. Review status: criteria provided, single submitter. Criteria: ACGS Best Practice Guidelines for Variant Classification in Rare Disease 2020. Collection method: clinical testing. Allele origin: germline. Affected: yes.
Comment: The p.Ser269Trp variant is novel (not in any individuals) in gnomAD All. The p.Ser269Trp variant is novel (not in any individuals) in 1kG All. The p.Ser269Trp variant is novel (not in any individuals) in gnomAD Genomes v3 All. (PM2 - Moderate) | There are no benign variants within 3 amino acid positions of the variant p.Ser269Trp. (PM1_Supporting - Supporting) | The p.Ser269Trp missense variant is predicted to be damaging by both SIFT and PolyPhen2. (PP3 - Supporting)

Mayo Clinic Laboratories, Mayo Clinic
Classification: Uncertain significance. Last evaluated: 2023-04-03. Review status: criteria provided, single submitter. Criteria: ACMG Guidelines, 2015. Collection method: clinical testing. Allele origin: germline. Observed: 1 variant allele.
Comment: PM2

NM_021076.4(NEFH):c.806C>G (p.Ser269Trp)

Gene: NEFH (neurofilament heavy chain; plus strand). Cytogenetic location: 22q12.2.
Variant type: single nucleotide variant.
Coding change: c.806C>G on transcript NM_021076.4 (MANE Select); coding-DNA position 806, C replaced by G.
Protein change: p.Ser269Trp; replaces serine 269 with tryptophan.
Molecular consequence: missense variant.
Genome position (GRCh38, 1-based): chr22:29,481,068, C>G. VCF-style: chr22-29481068-C-G. GRCh37 (hg19) VCF-style: chr22-29877057-C-G.
Other names: p.Ser269Trp; short protein forms S269W.
Identifiers: ClinVar variation 2683563 (VCV002683563.6), dbSNP rs2517969718, ClinGen allele CA411124142.
Genomic context (GRCh38, chr22:29,481,068, plus strand): 5'-GCGCCGCGCAGGCGCAGATGCAGGCCGAGACGCGCGACGCCCTGAAGTGCGACGTGACGT[C>G]GGCGCTGCGCGAGATTCGCGCGCAGCTTGAAGGCCACGCGGTGCAGAGCACGCTGCAGTC-3'
Protein context (NP_066554.2, residues 259-279): TRDALKCDVT[Ser269Trp]ALREIRAQLE